The following is an entry in ClinVar:

ClinVar aggregate classification (germline): Uncertain significance (1 of 4 stars; one submission).

Conditions:
Familial thoracic aortic aneurysm and aortic dissection (TAAD). Also called: Thoracic aortic aneurysms and dissections. Identifiers: Orphanet 91387, MedGen C4707243, MONDO:0019625.

Submission:

Ambry Genetics
Classification: Uncertain significance for Familial thoracic aortic aneurysm and aortic dissection. Last evaluated: 2026-08-19. Review status: criteria provided, single submitter. Criteria: Ambry Variant Classification Scheme 2023. Collection method: clinical testing. Allele origin: germline.
Comment: The c.4176+5A>T intronic variant results from an A to T substitution 5 nucleotides after coding exon 53 in the COL5A1 gene. This nucleotide position is poorly conserved in available vertebrate species. In silico splice site analysis predicts that this alteration will not have any significant effect on splicing. Based on the available evidence, the clinical significance of this variant remains unclear.

NM_000093.5(COL5A1):c.4176+5A>T

Gene: COL5A1 (collagen type V alpha 1 chain; plus strand). Cytogenetic location: 9q34.3.
Variant type: single nucleotide variant.
Coding change: c.4176+5A>T on transcript NM_000093.5 (MANE Select); 5 bases into the intron after coding-DNA position 4176, A replaced by T.
Molecular consequence: intron variant.
Genome position (GRCh38, 1-based): chr9:134,817,084, A>T. VCF-style: chr9-134817084-A-T. GRCh37 (hg19) VCF-style: chr9-137708930-A-T.
Other names: c.4176+5A>T (NM_001278074.1).
Identifiers: ClinVar variation 5034811 (VCV005034811.1).